The following is an entry in ClinVar:

NM_018706.7(DHTKD1):c.737G>C (p.Arg246Pro)

Gene: DHTKD1 (dehydrogenase E1 and transketolase domain containing 1; plus strand). Cytogenetic location: 10p14.
Variant type: single nucleotide variant.
Coding change: c.737G>C on transcript NM_018706.7 (MANE Select); coding-DNA position 737, G replaced by C.
Protein change: p.Arg246Pro; replaces arginine 246 with proline.
Molecular consequence: missense variant.
Genome position (GRCh38, 1-based): chr10:12,089,005, G>C. VCF-style: chr10-12089005-G-C. GRCh37 (hg19) VCF-style: chr10-12131004-G-C.
Other names: short protein forms R246P.
Identifiers: ClinVar variation 2181855 (VCV002181855.4), dbSNP rs367981696, ClinGen allele CA376018399.
Genomic context (GRCh38, chr10:12,089,005, plus strand): 5'-GATGAATGCCATTTTTTTCCTTTTGAATGTATCCACAATAGCTGATGTTCCGTAAAATGC[G>C]AGGCTTAAGTGAATTTCCAGAGAATTTCTCAGCCACTGGAGACGTCCTGTCTCACCTGAC-3'
Protein context (NP_061176.4, residues 236-256): FPPELMFRKM[Arg246Pro]GLSEFPENFS

ClinVar aggregate classification (germline): Uncertain significance (1 of 4 stars; one submission).

Conditions:
2-aminoadipic 2-oxoadipic aciduria (AAKAD). Also called: ALPHA-AMINOADIPIC AND ALPHA-KETOADIPIC ACIDURIA; Aminoadipic aciduria. Identifiers: Orphanet 79154, MedGen C1859817, MONDO:0008774, OMIM 204750.

gnomAD v4.1: 4 of 1,613,554 alleles (0.00025%); highest among the groups gnomAD compares: Non-Finnish European, 0.00034%; no homozygotes.

Submission:

Labcorp Genetics (formerly Invitae), Labcorp
Classification: Uncertain significance for 2-aminoadipic 2-oxoadipic aciduria. Last evaluated: 2022-04-20. Review status: criteria provided, single submitter. Criteria: Invitae Variant Classification Sherloc (09022015). Collection method: clinical testing. Allele origin: germline.
Comment: In summary, the available evidence is currently insufficient to determine the role of this variant in disease. Therefore, it has been classified as a Variant of Uncertain Significance. Algorithms developed to predict the effect of missense changes on protein structure and function are either unavailable or do not agree on the potential impact of this missense change (SIFT: "Deleterious"; PolyPhen-2: "Possibly Damaging"; Align-GVGD: "Class C0"). This variant has not been reported in the literature in individuals affected with DHTKD1-related conditions. This variant is not present in population databases (gnomAD no frequency). This sequence change replaces arginine, which is basic and polar, with proline, which is neutral and non-polar, at codon 246 of the DHTKD1 protein (p.Arg246Pro).